The following is an entry in ClinVar:

NM_001184.4(ATR):c.293-20C>T

Gene: ATR (ATR checkpoint kinase; minus strand). Cytogenetic location: 3q23.
Variant type: single nucleotide variant.
Coding change: c.293-20C>T on transcript NM_001184.4 (MANE Select); 20 bases into the intron before coding-DNA position 293, C replaced by T.
Molecular consequence: intron variant.
Genome position (GRCh38, 1-based): chr3:142,563,129, G>A on the plus strand (C>T on the coding strand, the complement: ATR is on the minus strand). VCF-style: chr3-142563129-G-A. GRCh37 (hg19) VCF-style: chr3-142281971-G-A.
Other names: c.293-20C>T (NM_001354579.2).
Identifiers: ClinVar variation 496125 (VCV000496125.27), dbSNP rs115097590, ClinGen allele CA2650791.
Genomic context (GRCh38, chr3:142,563,129, plus strand): 5'-TGCAATCCGCAGAAGTCTCGTTATGATCCAATTACTGAATTCTTTGAAATAAACAAAAAA[G>A]ATATTAAATAAACAAGTATATCCGAAGTGCTAATTCATTTGCTAAATCCTTGACGATTGA-3'

ClinVar aggregate classification (germline): Benign/Likely benign. Review status: criteria provided, multiple submitters, no conflicts (2 of 4 stars). 9 submissions from 8 submitters: Benign (8); Likely benign (1). Last evaluated 2026-02-02.

Conditions:
Familial cutaneous telangiectasia and oropharyngeal predisposition cancer syndrome. Identifiers: Orphanet 313846, MedGen C3281203, MONDO:0013806, OMIM 614564.
Seckel syndrome 1 (SCKL1). Also called: MICROCEPHALIC PRIMORDIAL DWARFISM I. Identifiers: Orphanet 808, MedGen C4551474, MONDO:0008869, OMIM 210600.
Hereditary cancer-predisposing syndrome. Also called: Hereditary neoplastic syndrome; Neoplastic Syndromes, Hereditary; Tumor predisposition; Hereditary Cancer Syndrome. Identifiers: Orphanet 140162, MedGen C0027672, MeSH D009386, MONDO:0015356.

Allele frequency attached by ClinVar (database versions not stated): 1000 Genomes Project 30x 0.00547; 1000 Genomes Project 0.00559; ESP Exome Variant Server 0.01007; TOPMed 0.01246; gnomAD exomes 0.01405; gnomAD 0.01460 and 0.01504; ExAC 0.01507.
gnomAD v4.1: 28,853 of 1,590,480 alleles (1.8%); highest among the groups gnomAD compares: Non-Finnish European, 2.2%; 315 homozygotes.

Submissions (9):

Labcorp Genetics (formerly Invitae), Labcorp
Classification: Benign. Last evaluated: 2026-02-02. Review status: criteria provided, single submitter. Criteria: Invitae Variant Classification Sherloc (09022015). Collection method: clinical testing. Allele origin: germline.

GeneKor MSA
Classification: Benign for Hereditary cancer-predisposing syndrome. Last evaluated: 2025-07-10. Review status: criteria provided, single submitter. Criteria: ACMG Guidelines, 2015. Collection method: clinical testing. Allele origin: germline.

Blueprint Genetics
Classification: Likely benign. Last evaluated: 2024-11-26. Review status: criteria provided, single submitter. Criteria: ACMG Guidelines, 2015. Collection method: clinical testing. Allele origin: germline.

ARUP Laboratories, Molecular Genetics and Genomics, ARUP Laboratories
Classification: Benign. Last evaluated: 2023-11-07. Review status: criteria provided, single submitter. Criteria: ARUP Molecular Germline Variant Investigation Process 2024. Collection method: clinical testing. Allele origin: germline.

Genome-Nilou Lab
Classification: Benign for Seckel syndrome 1. Last evaluated: 2023-02-08. Review status: criteria provided, single submitter. Criteria: ACMG Guidelines, 2015. Collection method: clinical testing. Allele origin: germline.

Genome-Nilou Lab
Classification: Benign for Familial cutaneous telangiectasia and oropharyngeal predisposition cancer syndrome. Last evaluated: 2023-02-08. Review status: criteria provided, single submitter. Criteria: ACMG Guidelines, 2015. Collection method: clinical testing. Allele origin: germline.

Women's Health and Genetics/Laboratory Corporation of America, LabCorp
Classification: Benign. Last evaluated: 2016-04-26. Review status: criteria provided, single submitter. Criteria: LabCorp Variant Classification Summary - May 2015. Collection method: clinical testing. Allele origin: germline.
Comment: Variant summary: The c.293-20C>T variant affects a non-conserved intronic nucleotide. Mutation taster predicts benign outcome for this variant. 4/5 programs in Alamut predict that this variant does not affect normal splicing. This variant is found in 1712/113572 control chromosomes (17 homozygotes) at a frequency of 0.0150741, which is about 24119 times of the maximal expected frequency of a pathogenic allele (0.0000006), suggesting this variant is benign. The variant of interest has not, to our knowledge, been reported in affected individuals via publications and/or reputable databases/clinical laboratories; nor evaluated for functional impact by in vivo/vitro studies. Taken together, this variant was classified as Benign.

GeneDx
Classification: Benign. Last evaluated: 2015-03-03. Review status: criteria provided, single submitter. Criteria: GeneDx Variant Classification Process June 2021. Collection method: clinical testing. Allele origin: germline. Affected: yes.

Breakthrough Genomics
Classification: Benign. Review status: criteria provided, single submitter. Criteria: ACMG Guidelines, 2015. Collection method: not provided. Allele origin: germline. Inheritance: Autosomal recessive inheritance. Affected: yes.